The following is an entry in ClinVar:

ClinVar aggregate classification (germline): Pathogenic/Likely pathogenic. Review status: criteria provided, multiple submitters, no conflicts (2 of 4 stars). 3 submissions from 3 submitters: Pathogenic (2); Likely pathogenic (1). Last evaluated 2025-08-27.

Conditions:
Mitochondrial trifunctional protein deficiency. Identifiers: Orphanet 746, MedGen C1969443, MONDO:0012172.
Long chain 3-hydroxyacyl-CoA dehydrogenase deficiency. Also called: LCHAD Deficiency; Deficiency of long-chain 3-hydroxyacyl-coenzyme A dehydrogenase. Identifiers: Orphanet 5, MedGen C3711645, MONDO:0012173, OMIM 609016.

Allele frequency attached by ClinVar (database versions not stated): gnomAD exomes below 0.00001 and 0.00002; ExAC 0.00001.
gnomAD v4.1: 4 of 1,562,748 alleles (0.00026%); highest among the groups gnomAD compares: South Asian, 0.0033%; no homozygotes.

Submissions (3):

Natera, Inc.
Classification: Likely pathogenic for Deficiency of long-chain 3-hydroxyacyl-coenzyme A dehydrogenase. Last evaluated: 2025-08-27. Review status: criteria provided, single submitter. Criteria: Natera Variant Classification Schema (03/2026). Collection method: clinical testing. Allele origin: germline.
Comment: The c.676+2T>C variant in HADHA is a canonical splice donor site variant predicted to affect pre-mRNA splicing, which may result in an abnormal transcript and altered protein product. This variant is expected to result in nonsense mediated decay, truncation, or a dysfunctional protein product. This variant is rare in the general population with a frequency below the threshold expected for the associated phenotype(s). Functional studies show that this variant may disrupt protein function (PMID: 21549624). Given the available evidence, this variant is classified as Likely Pathogenic.

Labcorp Genetics (formerly Invitae), Labcorp
Classification: Pathogenic for Mitochondrial trifunctional protein deficiency; Long chain 3-hydroxyacyl-CoA dehydrogenase deficiency. Last evaluated: 2023-11-24. Review status: criteria provided, single submitter. Criteria: Invitae Variant Classification Sherloc (09022015). Collection method: clinical testing. Allele origin: germline.
Comment: This sequence change affects a donor splice site in intron 7 of the HADHA gene. It is expected to disrupt RNA splicing. Variants that disrupt the donor or acceptor splice site typically lead to a loss of protein function (PMID: 16199547), and loss-of-function variants in HADHA are known to be pathogenic (PMID: 7738175, 21103935, 21549624, 22459206). This variant is present in population databases (rs772683361, gnomAD 0.01%). Disruption of this splice site has been observed in individual(s) with mitochondrial trifunctional protein deficiency (PMID: 21549624). ClinVar contains an entry for this variant (Variation ID: 495728). Algorithms developed to predict the effect of sequence changes on RNA splicing suggest that this variant may disrupt the consensus splice site. For these reasons, this variant has been classified as Pathogenic.

Women's Health and Genetics/Laboratory Corporation of America, LabCorp
Classification: Pathogenic for Long chain 3-hydroxyacyl-CoA dehydrogenase deficiency. Last evaluated: 2017-06-26. Review status: criteria provided, single submitter. Criteria: LabCorp Variant Classification Summary - May 2015. Collection method: clinical testing. Allele origin: germline.
Comment: Variant summary: The HADHA c.676+2T>C (p.Val192AspfsX4) variant involves the alteration of a conserved intronic nucleotide resulting in incomplete exon 7 skipping (Boutron_MGM_2011) and consistently, 4/5 splice prediction tools predict significant impact on normal splicing. Also, an in-silico analysis study (Xiong_Science_2015) predicted that this variant is inducing large splicing changes. This was confirmed by a functional study (Boutron_MGM_2011) that found 90% cDNA reduction through NMD. This variant was found in 1/121498 control chromosomes at a frequency of 0.0000082, which does not exceed the estimated maximal expected allele frequency of a pathogenic HADHA variant (0.0025). This variant was found in one homozygote with mitochondrial trifunctional protein (MTP) deficiency with a milder phenotype attributed to 10% residual normal mRNA (Boutron_MGM_2011). Taken together, this variant is classified as pathogenic.

Literature cited by the submitters: PubMed 21549624 (cited by 3 submitters); PubMed 16199547 (cited by Labcorp Genetics (formerly Invitae), Labcorp); PubMed 7738175 (cited by Labcorp Genetics (formerly Invitae), Labcorp); PubMed 21103935 (cited by Labcorp Genetics (formerly Invitae), Labcorp); PubMed 22459206 (cited by Labcorp Genetics (formerly Invitae), Labcorp); PubMed 25525159 (cited by Women's Health and Genetics/Laboratory Corporation of America, LabCorp).

NM_000182.5(HADHA):c.676+2T>C

Gene: HADHA (hydroxyacyl-CoA dehydrogenase trifunctional multienzyme complex subunit alpha; minus strand). Cytogenetic location: 2p23.3.
Variant type: single nucleotide variant.
Coding change: c.676+2T>C on transcript NM_000182.5 (MANE Select); the canonical splice donor site of the intron after coding-DNA position 676, T replaced by C.
Molecular consequence: splice donor variant.
Genome position (GRCh38, 1-based): chr2:26,230,190, A>G on the plus strand (T>C on the coding strand, the complement: HADHA is on the minus strand). VCF-style: chr2-26230190-A-G. GRCh37 (hg19) VCF-style: chr2-26453058-A-G.
Identifiers: ClinVar variation 495728 (VCV000495728.11), dbSNP rs772683361, ClinGen allele CA1559826.